The following is an entry in ClinVar:

ClinVar aggregate classification (germline): Conflicting classifications of pathogenicity. Review status: criteria provided, conflicting classifications (1 of 4 stars). 5 submissions from 5 submitters: Uncertain significance (3); Benign (1); Likely benign (1). Last evaluated 2025-12-23.

Conditions:
Hereditary cancer-predisposing syndrome. Also called: Hereditary neoplastic syndrome; Neoplastic Syndromes, Hereditary; Hereditary Cancer Syndrome; Tumor predisposition. Identifiers: Orphanet 140162, MedGen C0027672, MeSH D009386, MONDO:0015356.
Tuberous sclerosis syndrome (TSC). Also called: Tuberous sclerosis; Tuberous Sclerosis Complex. Identifiers: Orphanet 805, MedGen C0041341, MONDO:0001734.
Tuberous sclerosis 2 (TSC2). Identifiers: Orphanet 805, MedGen C1860707, MONDO:0013199, OMIM 613254.

Allele frequency attached by ClinVar (database versions not stated): gnomAD exomes below 0.00001; gnomAD 0.00001; TOPMed 0.00001.
gnomAD v4.1: 2 of 1,609,438 alleles (0.00012%); highest among the groups gnomAD compares: Admixed American, 0.0017%; no homozygotes.

Submissions (5):

Labcorp Genetics (formerly Invitae), Labcorp
Classification: Benign for Tuberous sclerosis 2. Last evaluated: 2025-12-23. Review status: criteria provided, single submitter. Criteria: Invitae Variant Classification Sherloc (09022015). Collection method: clinical testing. Allele origin: germline.

Color Diagnostics, LLC DBA Color Health
Classification: Uncertain significance for Tuberous sclerosis syndrome. Last evaluated: 2025-09-17. Review status: criteria provided, single submitter. Criteria: ACMG Guidelines, 2015. Collection method: clinical testing. Allele origin: germline.
Comment: This missense variant replaces leucine with phenylalanine at codon 1796 of the TSC2 protein. Computational prediction is inconclusive regarding the impact of this variant on protein structure and function. To our knowledge, functional studies have not been reported for this variant. This variant has not been reported in individuals affected with TSC2-related disorders in the literature. This variant has been identified in 1/246160 chromosomes in the general population by the Genome Aggregation Database (gnomAD). The available evidence is insufficient to determine the role of this variant in disease conclusively. Therefore, this variant is classified as a Variant of Uncertain Significance.

All of Us Research Program, National Institutes of Health
Classification: Uncertain significance for Tuberous sclerosis syndrome. Last evaluated: 2024-03-05. Review status: criteria provided, single submitter. Criteria: ACMG Guidelines, 2015. Collection method: clinical testing. Allele origin: germline. Inheritance: Autosomal dominant inheritance. Observed: 2 variant alleles, 2 heterozygotes.
Comment: This missense variant replaces leucine with phenylalanine at codon 1796 of the TSC2 protein. Computational prediction is inconclusive regarding the impact of this variant on protein structure and function (internally defined REVEL score threshold 0.5 < inconclusive < 0.7, PMID: 27666373). To our knowledge, functional studies have not been reported for this variant. This variant has not been reported in individuals affected with TSC2-related disorders in the literature. This variant has been identified in 1/246160 chromosomes in the general population by the Genome Aggregation Database (gnomAD). The available evidence is insufficient to determine the role of this variant in disease conclusively. Therefore, this variant is classified as a Variant of Uncertain Significance.

This study involves interpretation of variants in research participants for the purpose of population health screening. Participant phenotype was not available at the time of variant classification. Additional details can be found in publication PMID: 35346344, PMCID: PMC8962531

Ambry Genetics
Classification: Likely benign for Hereditary cancer-predisposing syndrome. Last evaluated: 2023-09-13. Review status: criteria provided, single submitter. Criteria: Ambry Variant Classification Scheme 2023. Collection method: clinical testing. Allele origin: germline.

Genome-Nilou Lab
Classification: Uncertain significance for Tuberous sclerosis 2. Last evaluated: 2021-11-07. Review status: criteria provided, single submitter. Criteria: ACMG Guidelines, 2015. Collection method: clinical testing. Allele origin: germline. Affected: no.

NM_000548.5(TSC2):c.5386C>T (p.Leu1796Phe)

Gene: TSC2 (TSC complex subunit 2; plus strand). Cytogenetic location: 16p13.3.
Variant type: single nucleotide variant.
Coding change: c.5386C>T on transcript NM_000548.5 (MANE Select); coding-DNA position 5386, C replaced by T.
Protein change: p.Leu1796Phe; replaces leucine 1796 with phenylalanine.
Molecular consequence: missense variant.
Genome position (GRCh38, 1-based): chr16:2,088,572, C>T. VCF-style: chr16-2088572-C-T. GRCh37 (hg19) VCF-style: chr16-2138573-C-T.
Other names: c.5185C>T, p.Leu1729Phe (NM_001077183.3); c.5317C>T, p.Leu1773Phe (NM_001114382.3); c.5077C>T, p.Leu1693Phe (NM_001318827.2); c.5041C>T, p.Leu1681Phe (NM_001318829.2); c.4654C>T, p.Leu1552Phe (NM_001318831.2); c.5218C>T, p.Leu1740Phe (NM_001318832.2); c.5188C>T, p.Leu1730Phe (NM_001363528.2); c.5254C>T, p.Leu1752Phe (NM_001370404.1); and 2 more; short protein forms L1796F, L1552F, L1681F, L1730F, L1693F, L1740F, L1752F, L1753F.
Identifiers: ClinVar variation 570788 (VCV000570788.19), dbSNP rs45455398, ClinGen allele CA394316035.